The following is an entry in ClinVar:

ClinVar aggregate classification (germline): Uncertain significance (1 of 4 stars; one submission).

Conditions:
Ataxia-telangiectasia syndrome (AT). Also called: Ataxia telangiectasia (A-T); ATAXIA-TELANGIECTASIA, COMPLEMENTATION GROUP A; ATAXIA-TELANGIECTASIA, FRESNO VARIANT; Ataxia-telangiectasia; Ataxia-telangiectasia, complementation group E; LOUIS-BAR SYNDROME. Identifiers: Orphanet 100, MedGen C0004135, MONDO:0008840, OMIM 208900.

Submission:

Labcorp Genetics (formerly Invitae), Labcorp
Classification: Uncertain significance for Ataxia-telangiectasia syndrome. Last evaluated: 2020-05-13. Review status: criteria provided, single submitter. Criteria: Invitae Variant Classification Sherloc (09022015). Collection method: clinical testing. Allele origin: germline.
Comment: Algorithms developed to predict the effect of missense changes on protein structure and function are either unavailable or do not agree on the potential impact of this missense change (SIFT: "Deleterious"; PolyPhen-2: "Benign"; Align-GVGD: "Class C15"). In summary, the available evidence is currently insufficient to determine the role of this variant in disease. Therefore, it has been classified as a Variant of Uncertain Significance. This variant has not been reported in the literature in individuals with ATM-related conditions. This variant is not present in population databases (ExAC no frequency). This sequence change replaces glutamic acid with lysine at codon 1940 of the ATM protein (p.Glu1940Lys). The glutamic acid residue is highly conserved and there is a small physicochemical difference between glutamic acid and lysine.

NM_000051.4(ATM):c.5818G>A (p.Glu1940Lys)

Genes: ATM (ATM serine/threonine kinase; plus strand), C11orf65 (chromosome 11 open reading frame 65; minus strand). Cytogenetic location: 11q22.3.
Variant type: single nucleotide variant.
Coding change: c.5818G>A on transcript NM_000051.4 (MANE Select); coding-DNA position 5818, G replaced by A.
Protein change: p.Glu1940Lys; replaces glutamic acid 1940 with lysine.
Molecular consequence: missense variant. On other transcripts: intron variant (2).
Genome position (GRCh38, 1-based): chr11:108,310,215, G>A. VCF-style: chr11-108310215-G-A. GRCh37 (hg19) VCF-style: chr11-108180942-G-A.
Other names: c.5818G>A, p.Glu1940Lys (NM_001351834.2); c.641-1144C>T (NM_001330368.2); c.*39-1144C>T (NM_001351110.2); short protein forms E1940K.
Identifiers: ClinVar variation 1027220 (VCV001027220.9), dbSNP rs2084028082, ClinGen allele CA382548392.